The following is an entry in ClinVar:

ClinVar aggregate classification (germline): Uncertain significance (1 of 4 stars; one submission).

Conditions:
Short-rib thoracic dysplasia 11 with or without polydactyly (SRTD11). Also called: SHORT-RIB THORACIC DYSPLASIA 11 WITHOUT POLYDACTYLY. Identifiers: Orphanet 474, Orphanet 93271, MedGen C3810200, MONDO:0014287, OMIM 615633.

Allele frequency attached by ClinVar (database versions not stated): gnomAD 0.00001; gnomAD exomes 0.00001.

Submission:

Labcorp Genetics (formerly Invitae), Labcorp
Classification: Uncertain significance for Short-rib thoracic dysplasia 11 with or without polydactyly. Last evaluated: 2024-07-31. Review status: criteria provided, single submitter. Criteria: Invitae Variant Classification Sherloc (09022015). Collection method: clinical testing. Allele origin: germline.
Comment: This sequence change replaces glutamine, which is neutral and polar, with glutamic acid, which is acidic and polar, at codon 318 of the WDR34 protein (p.Gln318Glu). This variant is present in population databases (no rsID available, gnomAD 0.002%). This variant has not been reported in the literature in individuals affected with WDR34-related conditions. ClinVar contains an entry for this variant (Variation ID: 2421294). An algorithm developed to predict the effect of missense changes on protein structure and function (PolyPhen-2) suggests that this variant is likely to be tolerated. In summary, the available evidence is currently insufficient to determine the role of this variant in disease. Therefore, it has been classified as a Variant of Uncertain Significance.

NM_052844.4(DYNC2I2):c.952C>G (p.Gln318Glu)

Genes: DYNC2I2 (dynein 2 intermediate chain 2; minus strand), LOC126860772 (CDK7 strongly-dependent group 2 enhancer GRCh37_chr9:131396972-131398171; plus strand). Cytogenetic location: 9q34.11.
Variant type: single nucleotide variant.
Coding change: c.952C>G on transcript NM_052844.4 (MANE Select); coding-DNA position 952, C replaced by G.
Protein change: p.Gln318Glu; replaces glutamine 318 with glutamic acid.
Molecular consequence: missense variant.
Genome position (GRCh38, 1-based): chr9:128,635,121, G>C on the plus strand (C>G on the coding strand, the complement: DYNC2I2 is on the minus strand). VCF-style: chr9-128635121-G-C. GRCh37 (hg19) VCF-style: chr9-131397400-G-C.
Other names: short protein forms Q318E.
Identifiers: ClinVar variation 2421294 (VCV002421294.6), dbSNP rs1230015233, ClinGen allele CA375114891.